The following is an entry in ClinVar:

ClinVar aggregate classification (germline): Uncertain significance. Review status: criteria provided, multiple submitters, no conflicts (2 of 4 stars). 2 submissions from 2 submitters: Uncertain significance (2). Last evaluated 2022-10-29.

Conditions:
Episodic ataxia type 2 (EA2). Also called: ATAXIA, EPISODIC, WITH NYSTAGMUS; ATAXIA, FAMILIAL PAROXYSMAL; CEREBELLAR ATAXIA, PAROXYSMAL, ACETAZOLAMIDE-RESPONSIVE; CEREBELLOPATHY, HEREDITARY PAROXYSMAL; ACETAZOLAMIDE-RESPONSIVE HEREDITARY PAROXYSMAL CEREBELLAR ATAXIA; EPISODIC ATAXIA, NYSTAGMUS-ASSOCIATED. Identifiers: Orphanet 97, MedGen C1720416, MONDO:0007163, OMIM 108500.
Developmental and epileptic encephalopathy, 42 (DEE42A). Also called: Epileptic encephalopathy, early infantile, 42; DEVELOPMENTAL AND EPILEPTIC ENCEPHALOPATHY 42A; EPILEPTIC ENCEPHALOPATHY, EARLY INFANTILE, 42A. Identifiers: MedGen C4310716, MONDO:0014917, OMIM 617106.

Allele frequency attached by ClinVar (database versions not stated): gnomAD exomes below 0.00001; ExAC 0.00001; TOPMed 0.00001; ESP Exome Variant Server 0.00008.
gnomAD v4.1: 6 of 1,544,254 alleles (0.00039%); highest among the groups gnomAD compares: South Asian, 0.0024%; no homozygotes.

Submissions (2):

Labcorp Genetics (formerly Invitae), Labcorp
Classification: Uncertain significance for Developmental and epileptic encephalopathy, 42; Episodic ataxia type 2. Last evaluated: 2022-10-29. Review status: criteria provided, single submitter. Criteria: Invitae Variant Classification Sherloc (09022015). Collection method: clinical testing. Allele origin: germline.
Comment: In summary, the available evidence is currently insufficient to determine the role of this variant in disease. Therefore, it has been classified as a Variant of Uncertain Significance. Variants that disrupt the consensus splice site are a relatively common cause of aberrant splicing (PMID: 17576681, 9536098). Algorithms developed to predict the effect of sequence changes on RNA splicing suggest that this variant may disrupt the consensus splice site. This variant has not been reported in the literature in individuals affected with CACNA1A-related conditions. This variant is present in population databases (rs368677227, gnomAD 0.004%). This sequence change falls in intron 12 of the CACNA1A gene. It does not directly change the encoded amino acid sequence of the CACNA1A protein. It affects a nucleotide within the consensus splice site.

Revvity Omics, Revvity
Classification: Uncertain significance. Last evaluated: 2022-01-05. Review status: criteria provided, single submitter. Criteria: ACMG Guidelines, 2015. Collection method: clinical testing. Allele origin: germline.

Literature cited by the submitters: PubMed 17576681 (cited by Labcorp Genetics (formerly Invitae), Labcorp); PubMed 9536098 (cited by Labcorp Genetics (formerly Invitae), Labcorp).

NM_001127222.2(CACNA1A):c.1668+3A>G

Gene: CACNA1A (calcium voltage-gated channel subunit alpha1 A; minus strand). Cytogenetic location: 19p13.13.
Variant type: single nucleotide variant.
Coding change: c.1668+3A>G on transcript NM_001127222.2 (MANE Select); 3 bases into the intron after coding-DNA position 1668, A replaced by G.
Molecular consequence: intron variant.
Genome position (GRCh38, 1-based): chr19:13,312,666, T>C on the plus strand (A>G on the coding strand, the complement: CACNA1A is on the minus strand). VCF-style: chr19-13312666-T-C. GRCh37 (hg19) VCF-style: chr19-13423480-T-C.
Other names: c.1671+3A>G (NM_001127221.1, NM_001127221.2, NM_001174080.2 and 2 more transcripts).
Identifiers: ClinVar variation 2027993 (VCV002027993.7), dbSNP rs368677227, ClinGen allele CA9240770.
Genomic context (GRCh38, chr19:13,312,666, plus strand): 5'-CCAGGTATCTGTCATTCCAGGCAAGAGCTGGAGAAATGAACTCTTAGAAACAAGAGCACT[T>C]ACCCCACAGTCAAAGCAGTTGAAGGAAGAGTGGAAGTAAGGCCGCGTCCCAAGCCCGTAC-3'